The following is an entry in ClinVar:

NM_001195248.2(APTX):c.336_337del (p.His112fs)

Gene: APTX (aprataxin; minus strand). Cytogenetic location: 9p21.1.
Variant type: Microsatellite.
Coding change: c.336_337del on transcript NM_001195248.2 (MANE Select); coding-DNA positions 336 to 337, 2 bases deleted (CA; older notation c.336_337delCA).
Protein change: p.His112fs; shifts the reading frame from histidine 112.
Molecular consequence: frameshift variant. On other transcripts: non-coding transcript variant (13), intron variant (1).
Genome position (GRCh38, 1-based): chr9:32,987,690-32,987,691, TG deleted on the plus strand (CA on the coding strand, the reverse complement: APTX is on the minus strand); deleting any 2 consecutive bases within chr9:32,987,690-32,987,696 gives the same sequence; the c. name uses the placement nearest the transcript's 3' end. VCF-style (leftmost placement, unchanged base first): chr9-32987689-CTG-C. GRCh37 (hg19) VCF-style: chr9-32987687-CTG-C.
Other names: c.336_337del, p.His112fs (NM_001195249.2, NM_001195251.2, NM_001368995.1 and 6 more transcripts); c.174_175del, p.His58fs (NM_001195250.2, NM_001195254.2, NM_001369000.1 and 1 more transcripts); c.72_73del, p.His24fs (NM_001369002.1, NM_001369003.1, NM_001369004.1 and 5 more transcripts); c.267+65CA[2] (NM_001195252.2); short protein forms H24fs, H112fs, H58fs.
Identifiers: ClinVar variation 2910226 (VCV002910226.1), dbSNP rs1428108985, ClinGen allele CA587565620.

ClinVar aggregate classification (germline): Pathogenic (1 of 4 stars; one submission).

Submission:

Labcorp Genetics (formerly Invitae), Labcorp
Classification: Pathogenic. Last evaluated: 2023-07-03. Review status: criteria provided, single submitter. Criteria: Invitae Variant Classification Sherloc (09022015). Collection method: clinical testing. Allele origin: germline.
Comment: For these reasons, this variant has been classified as Pathogenic. This premature translational stop signal has been observed in individual(s) with ataxia with oculomotor apraxia type 1 (PMID: 29356829). This variant is present in population databases (no rsID available, gnomAD 0.0009%). This sequence change creates a premature translational stop signal (p.His112Glnfs*10) in the APTX gene. It is expected to result in an absent or disrupted protein product. Loss-of-function variants in APTX are known to be pathogenic (PMID: 15719174, 21465257, 23183622, 26285866).

Literature cited by the submitters: PubMed 29356829; PubMed 15719174; PubMed 21465257; PubMed 23183622; PubMed 26285866.